The following is an entry in ClinVar:

ClinVar aggregate classification (germline): Likely pathogenic (1 of 4 stars; one submission).

Conditions:
Dilated cardiomyopathy 1G (CMD1G). Identifiers: Orphanet 154, MedGen C1858763, MONDO:0011400, OMIM 604145.
Autosomal recessive limb-girdle muscular dystrophy type 2J (LGMDR10). Also called: Limb-girdle muscular dystrophy, type 2J; MUSCULAR DYSTROPHY, LIMB-GIRDLE, AUTOSOMAL RECESSIVE 10. Identifiers: Orphanet 140922, MedGen C1837342, MONDO:0012127, OMIM 608807.

Submission:

Labcorp Genetics (formerly Invitae), Labcorp
Classification: Likely pathogenic for Dilated cardiomyopathy 1G; Autosomal recessive limb-girdle muscular dystrophy type 2J. Last evaluated: 2024-04-16. Review status: criteria provided, single submitter. Criteria: Invitae Variant Classification Sherloc (09022015). Collection method: clinical testing. Allele origin: germline.
Comment: This sequence change creates a premature translational stop signal (p.Thr509Asnfs*3) in the TTN gene. While this is not anticipated to result in nonsense mediated decay, it is expected to create a truncated TTN protein. This variant is not present in population databases (gnomAD no frequency). This variant has not been reported in the literature in individuals affected with TTN-related conditions. This variant is located in the Z band of TTN (PMID: 25589632). Truncating variants in this region have been reported in individuals affected with autosomal recessive centronuclear myopathy (PMID: 33449170, Invitae internal data). Truncating variants in this region have also been identified in individuals affected with autosomal dominant dilated cardiomyopathy and/or cardio-related conditions (PMID: 27869827, 32964742, Invitae internal data). In summary, the currently available evidence indicates that the variant is pathogenic, but additional data are needed to prove that conclusively. Therefore, this variant has been classified as Likely Pathogenic.

Literature cited by the submitters: PubMed 25589632; PubMed 33449170; PubMed 27869827; PubMed 32964742.

NM_001267550.2(TTN):c.1523dup (p.Thr509fs)

Gene: TTN (titin; minus strand). Cytogenetic location: 2q31.2.
Variant type: Duplication.
Coding change: c.1523dup on transcript NM_001267550.2 (MANE Select); coding-DNA position 1523, one base duplicated (T; older notation c.1523dupT).
Protein change: p.Thr509fs; shifts the reading frame from threonine 509.
Molecular consequence: frameshift variant.
Genome position (GRCh38, 1-based): chr2:178,793,417, A duplicated on the plus strand (T on the coding strand, the reverse complement: TTN is on the minus strand). VCF-style (leftmost placement, unchanged base first): chr2-178793416-T-TA. GRCh37 (hg19) VCF-style: chr2-179658143-T-TA.
Other names: c.1523dup, p.Thr509fs (NM_001256850.1, NM_003319.4, NM_133378.4 and 3 more transcripts); short protein forms T509fs.
Identifiers: ClinVar variation 3755886 (VCV003755886.2).
Genomic context (GRCh38, chr2:178,793,416, plus strand): 5'-GACCCCTGTAAGAACCTCAGTGAATTTAAAATACAAACCCATTTTCACCTGCTCATGAGT[T>TA]ACGTGCATCTGCTCTTGCTTTGTGGTAATTACTTCTTTGGTTCTTGATTTTAATTCTTGT-3'